The following is an entry in ClinVar:

NM_001953.5(TYMP):c.516+2T>A

Gene: TYMP (thymidine phosphorylase; minus strand). Cytogenetic location: 22q13.33.
Variant type: single nucleotide variant.
Coding change: c.516+2T>A on transcript NM_001953.5 (MANE Select); the canonical splice donor site of the intron after coding-DNA position 516, T replaced by A.
Molecular consequence: splice donor variant.
Genome position (GRCh38, 1-based): chr22:50,528,510, A>T on the plus strand (T>A on the coding strand, the complement: TYMP is on the minus strand). VCF-style: chr22-50528510-A-T. GRCh37 (hg19) VCF-style: chr22-50966939-A-T.
Other names: c.516+2T>A (NM_001257989.1, NM_001257988.1, NM_001113755.3 and 2 more transcripts).
Identifiers: ClinVar variation 215334 (VCV000215334.5), dbSNP rs797044454, ClinGen allele CA321706.
Genomic context (GRCh38, chr22:50,528,510, plus strand): 5'-TGATTCTGGCCAGGGTCTCCATCATCAACCTGGATTAATGACTGATCCGTGGCGCCCCGT[A>T]CCTGCTCTGGGCTCTGGATGACATTGAATCCAGGAATAGACTCCAGCTTATCCAAGGTGC-3'

ClinVar aggregate classification (germline): Pathogenic. Review status: criteria provided, single submitter (1 of 4 stars). 3 submissions from 3 submitters: Pathogenic (1). 2 of the submissions do not count toward it. Last evaluated 2014-06-17.

Conditions:
TYMP-related disorder. Also called: TYMP-related condition.
Mitochondrial neurogastrointestinal encephalomyopathy. Also called: Mitochondrial neurogastrointestinal encephalopathy syndrome; MNGIE syndrome; Thymidine phosphorylase deficiency. Identifiers: Orphanet 298, MedGen C0872218, MONDO:0017575.

Submissions (3):

GeneDx
Classification: Pathogenic. Last evaluated: 2014-06-17. Review status: criteria provided, single submitter. Criteria: GeneDx Variant Classification (06012015). Collection method: clinical testing. Allele origin: germline. Affected: yes.
Comment: The c.516+2 T>A splice site mutation destroys the canonical splice donor site in intron 4. It is predicted to cause abnormal gene splicing, either leading to an abnormal message that is subject to nonsense-mediated mRNA decay, or to an abnormal protein product if the message is used for protein translation. Although this mutation has not been previously reported to our knowledge, it is expected to be a pathogenic mutation. Furthermore, another nucleotide at the same position (c.516+2 T>C) has been published as a pathogenic mutation. The variant is found in MITONUC-MITOP panel(s).

PreventionGenetics, part of Exact Sciences
Classification: Likely pathogenic for TYMP-related condition. Last evaluated: 2024-04-27. Review status: no assertion criteria provided. Collection method: clinical testing. Allele origin: germline. Not counted in ClinVar's aggregate classification.
Comment: The TYMP c.516+2T>A variant is predicted to disrupt the GT donor site and interfere with normal splicing. To our knowledge, this variant has not been reported in the literature or in a large population database, indicating this variant is rare. This variant is expected to disrupt the splice donor site of intron 4 based on splicing prediction software (SpliceAI, Jaganathan K, et al. 2019. PubMed ID: 30661751). Variants that disrupt the consensus splice donor site in TYMP are expected to be pathogenic. This variant is interpreted as likely pathogenic.

Natera, Inc.
Classification: Pathogenic for Mitochondrial neurogastrointestinal encephalomyopathy. Last evaluated: 2021-04-09. Review status: no assertion criteria provided. Collection method: clinical testing. Allele origin: germline. Not counted in ClinVar's aggregate classification.